The following is an entry in ClinVar:

ClinVar aggregate classification (germline): Likely benign. Review status: criteria provided, single submitter (1 of 4 stars). 2 submissions from 2 submitters: Likely benign (1). 1 of the submissions does not count toward it. Last evaluated 2023-09-21.

Conditions:
ARL6-related disorder. Also called: ARL6-related condition.
Retinitis pigmentosa 55 (RP55). Identifiers: Orphanet 791, MedGen C3150808, MONDO:0013312, OMIM 613575.
Bardet-Biedl syndrome 3 (BBS3). Identifiers: Orphanet 110, MedGen C1859564, MONDO:0010832, OMIM 600151.

Allele frequency attached by ClinVar (database versions not stated): gnomAD 0.00001; TOPMed 0.00001; ExAC 0.00002; gnomAD exomes 0.00002.
gnomAD v4.1: 35 of 1,612,594 alleles (0.0022%); highest among the groups gnomAD compares: Non-Finnish European, 0.0029%; no homozygotes.

Submissions (2):

Labcorp Genetics (formerly Invitae), Labcorp
Classification: Likely benign for Retinitis pigmentosa 55; Bardet-Biedl syndrome 3. Last evaluated: 2023-09-21. Review status: criteria provided, single submitter. Criteria: Invitae Variant Classification Sherloc (09022015). Collection method: clinical testing. Allele origin: germline.

PreventionGenetics, part of Exact Sciences
Classification: Likely benign for ARL6-related condition. Last evaluated: 2021-07-12. Review status: no assertion criteria provided. Collection method: clinical testing. Allele origin: germline. Not counted in ClinVar's aggregate classification.
Comment: This variant is classified as likely benign based on ACMG/AMP sequence variant interpretation guidelines (Richards et al. 2015 PMID: 25741868, with internal and published modifications).

NM_001278293.3(ARL6):c.99C>T (p.Ile33=)

Gene: ARL6 (ARF like GTPase 6; plus strand). Cytogenetic location: 3q11.2.
Variant type: single nucleotide variant.
Coding change: c.99C>T on transcript NM_001278293.3 (MANE Select); coding-DNA position 99, C replaced by T.
Protein change: p.Ile33=; no amino-acid change (isoleucine 33 retained).
Molecular consequence: synonymous variant. On other transcripts: non-coding transcript variant (7).
Genome position (GRCh38, 1-based): chr3:97,768,206, C>T. VCF-style: chr3-97768206-C-T. GRCh37 (hg19) VCF-style: chr3-97487050-C-T.
Other names: c.99C>T, p.Ile33= (NM_001323513.2, NM_001323514.2, NM_032146.5 and 1 more transcripts).
Identifiers: ClinVar variation 1113079 (VCV001113079.8), dbSNP rs772756275, ClinGen allele CA2505852.
Genomic context (GRCh38, chr3:97,768,206, plus strand): 5'-GAAGAAGAAGGAGGTTCATGTTTTGTGCCTTGGGCTAGATAATAGTGGCAAAACGACGAT[C>T]ATTAACAAACTTAAACCTTCAAATGTAAGTATCTTTGTTAGATGCTTTATGTATTTTCTG-3'
Protein context (NP_001265222.1, residues 23-43): LGLDNSGKTT[Ile33=]INKLKPSNAQ